The following is an entry in ClinVar:

ClinVar aggregate classification (germline): Uncertain significance (1 of 4 stars; one submission).

Submission:

GeneDx
Classification: Uncertain significance. Last evaluated: 2026-02-17. Review status: criteria provided, single submitter. Criteria: GeneDx Variant Classification Process June 2021. Collection method: clinical testing. Allele origin: germline.
Comment: Frameshift variant predicted to result in protein truncation or nonsense mediated decay in a gene for which loss of function is not an established mechanism of disease; Has not been previously published as pathogenic or benign to our knowledge

NM_007374.3(SIX6):c.359dup (p.Leu121fs)

Genes: C14orf39 (chromosome 14 open reading frame 39; minus strand), SIX6 (SIX homeobox 6; plus strand). Cytogenetic location: 14q23.1.
Variant type: Duplication.
Coding change: c.359dup on transcript NM_007374.3 (MANE Select); coding-DNA position 359, one base duplicated (C; older notation c.359dupC).
Protein change: p.Leu121fs; shifts the reading frame from leucine 121.
Molecular consequence: frameshift variant.
Genome position (GRCh38, 1-based): chr14:60,509,757, C duplicated; the last of 3 consecutive C bases (chr14:60,509,755-60,509,757); duplicating any one gives the same sequence. VCF-style (leftmost placement, unchanged base first): chr14-60509754-T-TC. GRCh37 (hg19) VCF-style: chr14-60976472-T-TC.
Other names: short protein forms L121fs.
Identifiers: ClinVar variation 3369851 (VCV003369851.2).